The following is an entry in ClinVar:

ClinVar aggregate classification (germline): Pathogenic/Likely pathogenic. Review status: criteria provided, multiple submitters, no conflicts (2 of 4 stars). 2 submissions from 2 submitters: Pathogenic (1); Likely pathogenic (1). Last evaluated 2025-04-04.

Conditions:
CFTR-related disorder (CFTR-RD). Also called: CFTR-related disorders; CFTR-related condition. Identifiers: MedGen C5924204, MONDO:7770004.
Cystic fibrosis (CF). Also called: MUCOVISCIDOSIS. Identifiers: Orphanet 586, MedGen C0010674, MONDO:0009061, OMIM 219700. Disease mechanism: loss of function.

Submissions (2):

Natera, Inc.
Classification: Likely pathogenic for CFTR-related disorders. Last evaluated: 2025-04-04. Review status: criteria provided, single submitter. Criteria: Natera Variant Classification Schema (03/2026). Collection method: clinical testing. Allele origin: germline.
Comment: The c.3965_3969dup variant in CFTR is a frameshift variant predicted to shift the reading frame beginning at codon 1325 and leads to a stop codon 5 codons downstream. This variant is expected to result in nonsense mediated decay, truncation, or a dysfunctional protein product. This variant is rare in the general population with a frequency below the threshold expected for the associated phenotype(s). Given the available evidence, this variant is classified as Likely Pathogenic.

Labcorp Genetics (formerly Invitae), Labcorp
Classification: Pathogenic for Cystic fibrosis. Last evaluated: 2021-12-02. Review status: criteria provided, single submitter. Criteria: Invitae Variant Classification Sherloc (09022015). Collection method: clinical testing. Allele origin: germline.
Comment: For these reasons, this variant has been classified as Pathogenic. ClinVar contains an entry for this variant (Variation ID: 964088). This variant has not been reported in the literature in individuals affected with CFTR-related conditions. This variant is present in population databases (no rsID available, gnomAD 0.006%). This sequence change creates a premature translational stop signal (p.Arg1325Glyfs*5) in the CFTR gene. It is expected to result in an absent or disrupted protein product. Loss-of-function variants in CFTR are known to be pathogenic (PMID: 1695717, 7691345, 9725922).

Literature cited by the submitters: PubMed 1695717 (cited by Labcorp Genetics (formerly Invitae), Labcorp); PubMed 7691345 (cited by Labcorp Genetics (formerly Invitae), Labcorp); PubMed 9725922 (cited by Labcorp Genetics (formerly Invitae), Labcorp).

NM_000492.3(CFTR):c.3965_3969dup

Gene: CFTR (CF transmembrane conductance regulator; plus strand). Cytogenetic location: 7q31.2.
Variant type: Duplication.
Coding change: c.3965_3969dup on transcript NM_000492.3; coding-DNA positions 3965 to 3969, 5 bases duplicated (TTGGG; older notation c.3965_3969dupTTGGG).
Genome position (GRCh38, 1-based): chr7:117,664,689-117,664,693, TTGGG duplicated; duplicating any 5 consecutive bases within chr7:117,664,687-117,664,693 gives the same sequence; the c. name uses the placement nearest the transcript's 3' end. VCF-style (leftmost placement, unchanged base first): chr7-117664686-A-AGGTTG. GRCh37 (hg19) VCF-style: chr7-117304740-A-AGGTTG.
Identifiers: ClinVar variation 964088 (VCV000964088.9), dbSNP rs1209386423, ClinGen allele CA577680854.